The following is an entry in ClinVar:

ClinVar aggregate classification (germline): Likely benign. Review status: criteria provided, single submitter (1 of 4 stars). 2 submissions from 2 submitters: Likely benign (1). 1 of the submissions does not count toward it. Last evaluated 2022-09-12.

Conditions:
Inborn genetic diseases. Identifiers: MedGen C0950123, MeSH D030342.
MN1-related disorder. Also called: MN1-related condition.

Allele frequency attached by ClinVar (database versions not stated): gnomAD 0.00042; 1000 Genomes Project 30x 0.00047; 1000 Genomes Project 0.00060.

Submissions (2):

Ambry Genetics
Classification: Likely benign for Inborn genetic diseases. Last evaluated: 2022-09-12. Review status: criteria provided, single submitter. Criteria: Ambry Variant Classification Scheme 2023. Collection method: clinical testing. Allele origin: germline.

PreventionGenetics, part of Exact Sciences
Classification: Likely benign for MN1-related condition. Last evaluated: 2023-11-03. Review status: no assertion criteria provided. Collection method: clinical testing. Allele origin: germline. Not counted in ClinVar's aggregate classification.
Comment: This variant is classified as likely benign based on ACMG/AMP sequence variant interpretation guidelines (Richards et al. 2015 PMID: 25741868, with internal and published modifications).

Literature cited by the submitters: PubMed 28518168 (cited by Ambry Genetics); PubMed 32461654 (cited by Ambry Genetics).

NM_002430.3(MN1):c.1346C>G (p.Pro449Arg)

Gene: MN1 (MN1 proto-oncogene, transcriptional regulator; minus strand). Cytogenetic location: 22q12.1.
Variant type: single nucleotide variant.
Coding change: c.1346C>G on transcript NM_002430.3 (MANE Select); coding-DNA position 1346, C replaced by G.
Protein change: p.Pro449Arg; replaces proline 449 with arginine.
Molecular consequence: missense variant.
Genome position (GRCh38, 1-based): chr22:27,799,198, G>C on the plus strand (C>G on the coding strand, the complement: MN1 is on the minus strand). VCF-style: chr22-27799198-G-C. GRCh37 (hg19) VCF-style: chr22-28195186-G-C.
Other names: short protein forms P449R.
Identifiers: ClinVar variation 2374713 (VCV002374713.4), dbSNP rs543407693, ClinGen allele CA10166440.
Genomic context (GRCh38, chr22:27,799,198, plus strand): 5'-CGGTCCACTCCCGCGCTGCCCGGAAAGTCGAAGCGCGGCCTCTTGGCCACGTTCATGTAG[G>C]GGGGCGCGTCGAAATGCTGCAGCCGCTGGTTGGGCGCCTGCTGCGGAGGAGGATGCTGCA-3'
Protein context (NP_002421.3, residues 439-459): NQRLQHFDAP[Pro449Arg]YMNVAKRPRF